The following is an entry in ClinVar:

ClinVar aggregate classification (germline): Benign/Likely benign. Review status: criteria provided, multiple submitters, no conflicts (2 of 4 stars). 3 submissions from 3 submitters: Benign (2); Likely benign (1). Last evaluated 2026-01-07.

Conditions:
Autosomal dominant limb-girdle muscular dystrophy type 1F (LGMDD2). Also called: Limb-girdle muscular dystrophy, type 1F; MUSCULAR DYSTROPHY, LIMB-GIRDLE, AUTOSOMAL DOMINANT 2. Identifiers: Orphanet 55595, MedGen C1842062, MONDO:0012034, OMIM 608423.

Allele frequency attached by ClinVar (database versions not stated): gnomAD 0.00004 and 0.00005; gnomAD exomes 0.00006 and 0.00036; TOPMed 0.00012; 1000 Genomes Project 30x 0.00016; 1000 Genomes Project 0.00020; ExAC 0.00040.
gnomAD v4.1: 90 of 1,570,650 alleles (0.0057%); highest among the groups gnomAD compares: Admixed American, 0.17%; no homozygotes.

Submissions (3):

Labcorp Genetics (formerly Invitae), Labcorp
Classification: Benign for Autosomal dominant limb-girdle muscular dystrophy type 1F. Last evaluated: 2026-01-07. Review status: criteria provided, single submitter. Criteria: Invitae Variant Classification Sherloc (09022015). Collection method: clinical testing. Allele origin: germline.

GeneDx
Classification: Likely benign. Last evaluated: 2017-06-28. Review status: criteria provided, single submitter. Criteria: GeneDx Variant Classification (06012015). Collection method: clinical testing. Allele origin: germline. Affected: yes.
Comment: This variant is considered likely benign or benign based on one or more of the following criteria: it is a conservative change, it occurs at a poorly conserved position in the protein, it is predicted to be benign by multiple in silico algorithms, and/or has population frequency not consistent with disease.

Eurofins Ntd Llc (ga)
Classification: Benign. Last evaluated: 2016-09-15. Review status: criteria provided, single submitter. Criteria: EGL Classification Definitions 2015. Collection method: clinical testing. Allele origin: germline. Observed: 1 variant allele, 1 heterozygote.

NM_012470.4(TNPO3):c.2431-6A>C

Gene: TNPO3 (transportin 3; minus strand). Cytogenetic location: 7q32.1.
Variant type: single nucleotide variant.
Coding change: c.2431-6A>C on transcript NM_012470.4 (MANE Select); 6 bases into the intron before coding-DNA position 2431, A replaced by C.
Molecular consequence: intron variant.
Genome position (GRCh38, 1-based): chr7:128,970,321, T>G on the plus strand (A>C on the coding strand, the complement: TNPO3 is on the minus strand). VCF-style: chr7-128970321-T-G. GRCh37 (hg19) VCF-style: chr7-128610375-T-G.
Other names: c.2287-6A>C (NM_001382221.1); c.2284-6A>C (NM_001382222.1); c.2323-6A>C (NM_001382219.1); c.2239-6A>C (NM_001382223.1, NM_001191028.3); c.2290-6A>C (NM_001382220.1); c.2431-6A>C (NM_001382218.1); c.2533-6A>C (NM_001382216.1); c.2512-6A>C (NM_001382217.1).
Identifiers: ClinVar variation 291206 (VCV000291206.19), dbSNP rs190759031, ClinGen allele CA4477865.